The following is an entry in ClinVar:

NM_001368397.1(FRMPD4):c.3053C>T (p.Ser1018Leu)

Gene: FRMPD4 (FERM and PDZ domain containing 4; plus strand). Cytogenetic location: Xp22.2.
Variant type: single nucleotide variant.
Coding change: c.3053C>T on transcript NM_001368397.1 (MANE Select); coding-DNA position 3053, C replaced by T.
Protein change: p.Ser1018Leu; replaces serine 1018 with leucine.
Molecular consequence: missense variant.
Genome position (GRCh38, 1-based): chrX:12,717,879, C>T. VCF-style: chrX-12717879-C-T. GRCh37 (hg19) VCF-style: chrX-12735998-C-T.
Other names: c.3164C>T, p.Ser1055Leu (NM_001368395.3, NM_001368398.3); c.3059C>T, p.Ser1020Leu (NM_001368396.3); c.3044C>T, p.Ser1015Leu (NM_001368399.3); c.2933C>T, p.Ser978Leu (NM_001368400.3); c.3029C>T, p.Ser1010Leu (NM_001368401.1, NM_001368402.3); c.3053C>T, p.Ser1018Leu (NM_014728.3); short protein forms S1010L, S1015L, S1018L, S1020L, S1055L, S978L.
Identifiers: ClinVar variation 1704748 (VCV001704748.6), dbSNP rs199972310, ClinGen allele CA326083895.

ClinVar aggregate classification (germline): Uncertain significance. Review status: criteria provided, multiple submitters, no conflicts (2 of 4 stars). 2 submissions from 2 submitters: Uncertain significance (2). Last evaluated 2025-08-08.

Conditions:
Inborn genetic diseases. Identifiers: MedGen C0950123, MeSH D030342.

Allele frequency attached by ClinVar (database versions not stated): gnomAD exomes 0.00001; TOPMed 0.00004; gnomAD 0.00006; 1000 Genomes Project 0.00026; 1000 Genomes Project 30x 0.00042.
gnomAD v4.1: 15 of 1,209,831 alleles (0.0012%); highest among the groups gnomAD compares: African/African-American, 0.0087%; no homozygotes.

Submissions (2):

Ambry Genetics
Classification: Uncertain significance for Inborn genetic diseases. Last evaluated: 2025-08-08. Review status: criteria provided, single submitter. Criteria: Ambry Variant Classification Scheme 2023. Collection method: clinical testing. Allele origin: germline.

GeneDx
Classification: Uncertain significance. Last evaluated: 2023-08-14. Review status: criteria provided, single submitter. Criteria: GeneDx Variant Classification Process June 2021. Collection method: clinical testing. Allele origin: germline. Affected: yes.
Comment: In silico analysis supports that this missense variant does not alter protein structure/function; Has not been previously published as pathogenic or benign to our knowledge